The following is an entry in ClinVar:

ClinVar aggregate classification (germline): Uncertain significance (1 of 4 stars; one submission).

Submission:

GeneDx
Classification: Uncertain significance. Last evaluated: 2025-03-12. Review status: criteria provided, single submitter. Criteria: GeneDx Variant Classification Process June 2021. Collection method: clinical testing. Allele origin: germline. Affected: yes.
Comment: Not observed at significant frequency in large population cohorts (gnomAD); Nonsense variant predicted to result in protein truncation or nonsense mediated decay in a gene or region of a gene for which loss of function is not a well-established mechanism of disease; Has not been previously published as pathogenic or benign to our knowledge

NM_004522.3(KIF5C):c.2434C>T (p.Arg812Ter)

Gene: KIF5C (kinesin family member 5C; plus strand). Cytogenetic location: 2q23.2.
Variant type: single nucleotide variant.
Coding change: c.2434C>T on transcript NM_004522.3 (MANE Select); coding-DNA position 2434, C replaced by T.
Protein change: p.Arg812Ter; replaces arginine 812 with a stop codon.
Molecular consequence: nonsense. On other transcripts: non-coding transcript variant (1).
Genome position (GRCh38, 1-based): chr2:149,005,453, C>T. VCF-style: chr2-149005453-C-T. GRCh37 (hg19) VCF-style: chr2-149861967-C-T.
Other names: short protein forms R812*.
Identifiers: ClinVar variation 4083045 (VCV004083045.1).